The following is an entry in ClinVar:

NM_001083926.2(ASRGL1):c.325A>G (p.Met109Val)

Gene: ASRGL1 (asparaginase and isoaspartyl peptidase 1; plus strand). Cytogenetic location: 11q12.3.
Variant type: single nucleotide variant.
Coding change: c.325A>G on transcript NM_001083926.2 (MANE Select); coding-DNA position 325, A replaced by G.
Protein change: p.Met109Val; replaces methionine 109 with valine.
Molecular consequence: missense variant.
Genome position (GRCh38, 1-based): chr11:62,356,459, A>G. VCF-style: chr11-62356459-A-G. GRCh37 (hg19) VCF-style: chr11-62123931-A-G.
Other names: c.325A>G (NM_001083926.1); c.325A>G, p.Met109Val (NM_025080.4); short protein forms M109V.
Identifiers: ClinVar variation 2193167 (VCV002193167.5), dbSNP rs2495208775, ClinGen allele CA380865579.

ClinVar aggregate classification (germline): Uncertain significance. Review status: criteria provided, multiple submitters, no conflicts (2 of 4 stars). 2 submissions from 2 submitters: Uncertain significance (2). Last evaluated 2026-01-22.

Submissions (2):

Labcorp Genetics (formerly Invitae), Labcorp
Classification: Uncertain significance. Last evaluated: 2026-01-22. Review status: criteria provided, single submitter. Criteria: Invitae Variant Classification Sherloc (09022015). Collection method: clinical testing. Allele origin: germline.
Comment: This sequence change replaces methionine, which is neutral and non-polar, with valine, which is neutral and non-polar, at codon 109 of the ASRGL1 protein (p.Met109Val). This variant is not present in population databases (gnomAD no frequency). This variant has not been reported in the literature in individuals affected with ASRGL1-related conditions. ClinVar contains an entry for this variant (Variation ID: 2193167). An algorithm developed to predict the effect of missense changes on protein structure and function (PolyPhen-2) suggests that this variant is likely to be disruptive. In summary, the available evidence is currently insufficient to determine the role of this variant in disease. Therefore, it has been classified as a Variant of Uncertain Significance.

Ambry Genetics
Classification: Uncertain significance. Last evaluated: 2025-01-21. Review status: criteria provided, single submitter. Criteria: Ambry Variant Classification Scheme 2023. Collection method: clinical testing. Allele origin: germline.